The following is an entry in ClinVar:

ClinVar aggregate classification (germline): Uncertain significance. Review status: criteria provided, multiple submitters, no conflicts (2 of 4 stars). 2 submissions from 2 submitters: Uncertain significance (2). Last evaluated 2023-08-22.

Conditions:
Microcephaly, normal intelligence and immunodeficiency (NBS). Also called: IMMUNODEFICIENCY, MICROCEPHALY, AND CHROMOSOMAL INSTABILITY; SEEMANOVA SYNDROME II; Immunodeficiency, microcephaly with normal intelligence; Ataxia telangiectasia variant V1; Nijmegen breakage syndrome; Microcephaly with normal intelligence immunodeficiency and lymphoreticular malignancies. Identifiers: Orphanet 647, MedGen C0398791, MONDO:0009623, OMIM 251260.
Hereditary cancer-predisposing syndrome. Also called: Hereditary neoplastic syndrome; Neoplastic Syndromes, Hereditary; Tumor predisposition; Hereditary Cancer Syndrome. Identifiers: Orphanet 140162, MedGen C0027672, MeSH D009386, MONDO:0015356.

Allele frequency attached by ClinVar (database versions not stated): gnomAD exomes below 0.00001.
gnomAD v4.1: 1 of 1,613,818 alleles (0.000062%); highest among the groups gnomAD compares: African/African-American, 0.0013%; no homozygotes.

Submissions (2):

Labcorp Genetics (formerly Invitae), Labcorp
Classification: Uncertain significance for Microcephaly, normal intelligence and immunodeficiency. Last evaluated: 2023-08-22. Review status: criteria provided, single submitter. Criteria: Invitae Variant Classification Sherloc (09022015). Collection method: clinical testing. Allele origin: germline.
Comment: This variant has not been reported in the literature in individuals affected with NBN-related conditions. This sequence change replaces cysteine, which is neutral and slightly polar, with serine, which is neutral and polar, at codon 407 of the NBN protein (p.Cys407Ser). This variant is not present in population databases (gnomAD no frequency). ClinVar contains an entry for this variant (Variation ID: 411747). Algorithms developed to predict the effect of missense changes on protein structure and function output the following: SIFT: "Not Available"; PolyPhen-2: "Benign"; Align-GVGD: "Not Available". The serine amino acid residue is found in multiple mammalian species, which suggests that this missense change does not adversely affect protein function. In summary, the available evidence is currently insufficient to determine the role of this variant in disease. Therefore, it has been classified as a Variant of Uncertain Significance.

Ambry Genetics
Classification: Uncertain significance for Hereditary cancer-predisposing syndrome. Last evaluated: 2023-04-07. Review status: criteria provided, single submitter. Criteria: Ambry Variant Classification Scheme 2023. Collection method: clinical testing. Allele origin: germline.
Comment: The p.C407S variant (also known as c.1219T>A), located in coding exon 10 of the NBN gene, results from a T to A substitution at nucleotide position 1219. The cysteine at codon 407 is replaced by serine, an amino acid with dissimilar properties. This amino acid position is conserved. In addition, this alteration is predicted to be tolerated by in silico analysis. Since supporting evidence is limited at this time, the clinical significance of this alteration remains unclear.

NM_002485.5(NBN):c.1219T>A (p.Cys407Ser)

Gene: NBN (nibrin; minus strand). Cytogenetic location: 8q21.3.
Variant type: single nucleotide variant.
Coding change: c.1219T>A on transcript NM_002485.5 (MANE Select); coding-DNA position 1219, T replaced by A.
Protein change: p.Cys407Ser; replaces cysteine 407 with serine.
Molecular consequence: missense variant.
Genome position (GRCh38, 1-based): chr8:89,955,461, A>T on the plus strand (T>A on the coding strand, the complement: NBN is on the minus strand). VCF-style: chr8-89955461-A-T. GRCh37 (hg19) VCF-style: chr8-90967689-A-T.
Other names: c.973T>A, p.Cys325Ser (NM_001024688.3); short protein forms C407S, C325S.
Identifiers: ClinVar variation 411747 (VCV000411747.10), dbSNP rs1060503460, ClinGen allele CA16612666.
Genomic context (GRCh38, chr8:89,955,461, plus strand): 5'-GGATTCTCATCTTAGCCAAAGTATTTGATACCATACTATTATTATTAGAGCTTGTTTTGC[A>T]GGACTCCTTTACAGTGGGTGCATCTTGTGAAAGCATTCTGAATTTTTGTTCCATTTTGGA-3'
Protein context (NP_002476.2, residues 397-417): SQDAPTVKES[Cys407Ser]KTSSNNNSMV